The following is an entry in ClinVar:

NM_000179.3(MSH6):c.458-1G>A

Gene: MSH6 (mutS homolog 6; plus strand). Cytogenetic location: 2p16.3.
Variant type: single nucleotide variant.
Coding change: c.458-1G>A on transcript NM_000179.3 (MANE Select); the canonical splice acceptor site of the intron before coding-DNA position 458, G replaced by A.
Molecular consequence: splice acceptor variant. On other transcripts: 5 prime UTR variant (1), intron variant (8).
Genome position (GRCh38, 1-based): chr2:47,795,893, G>A. VCF-style: chr2-47795893-G-A. GRCh37 (hg19) VCF-style: chr2-48023032-G-A.
Other names: c.-69G>A (NM_001406807.1); c.458-1G>A (NM_001406809.1, NM_001406796.1, NM_001406808.1 and 5 more transcripts); c.-279-2718G>A (NM_001406811.1, NM_001281493.2, NM_001406812.1 and 4 more transcripts); c.161-1G>A (NM_001406805.1, NM_001406797.1, NM_001406801.1 and 10 more transcripts); c.554-1G>A (NM_001406795.1, NM_001406802.1); c.464-1G>A (NM_001406813.1); c.-537-1G>A (NM_001406814.1); c.-68-1G>A (NM_001406799.1, NM_001406806.1); and 4 more.
Identifiers: ClinVar variation 89531 (VCV000089531.9), dbSNP rs267608035, ClinGen allele CA015627.

ClinVar aggregate classification (germline): Likely pathogenic. Review status: reviewed by expert panel (3 of 4 stars). 4 submissions from 4 submitters: Likely pathogenic (1). 3 of the submissions do not count toward it. Last evaluated 2019-06-21.

Conditions:
Hereditary cancer-predisposing syndrome. Also called: Tumor predisposition; Hereditary Cancer Syndrome; Hereditary neoplastic syndrome; Neoplastic Syndromes, Hereditary. Identifiers: Orphanet 140162, MedGen C0027672, MeSH D009386, MONDO:0015356.
Lynch syndrome. Identifiers: Orphanet 144, MedGen C4552100, MONDO:0005835. Disease mechanism: loss of function.
Lynch syndrome 5 (LYNCH5). Also called: Colorectal cancer, hereditary nonpolyposis, type 5; Hereditary non-polyposis colorectal cancer, type 5. Identifiers: Orphanet 144, MedGen C1833477, MONDO:0013710, OMIM 614350. Disease mechanism: loss of function.

Allele frequency attached by ClinVar (database versions not stated): gnomAD exomes below 0.00001.
gnomAD v4.1: 1 of 1,613,672 alleles (0.000062%); highest among the groups gnomAD compares: Non-Finnish European, 0.000085%; no homozygotes.

Submissions (4):

International Society for Gastrointestinal Hereditary Tumours (InSiGHT)
Classification: Likely pathogenic for Lynch syndrome. Last evaluated: 2019-06-21. Review status: reviewed by expert panel. Criteria: Guidelines v2.4. Collection method: curation. Allele origin: germline. Affected: yes.
Comment: Interrupts canonical donor splice site

Color Diagnostics, LLC DBA Color Health
Classification: Likely pathogenic for Hereditary cancer-predisposing syndrome. Last evaluated: 2025-01-13. Review status: criteria provided, single submitter. Criteria: ACMG Guidelines, 2015. Collection method: clinical testing. Allele origin: germline. Not counted in ClinVar's aggregate classification.
Comment: This variant causes a G to A change at the -1 position of the canonical splice acceptor site in intron 2 of the MSH6 gene. Computational splicing tools predict that this variant may have a significant impact on RNA splicing. Although RNA study has not been performed to confirm the prediction, this variant is expected to result in an absent or disrupted protein product. To our knowledge, functional assays have not been performed for this variant. This variant has been reported in trans with a pathogenic MSH6 co-variant in an individual with constitutional mismatch repair deficiency syndrome, whose rectal polyps showed absence of MSH6 protein by immunohistochemistry (PMID: 17259933). This variant has not been identified in the general population by the Genome Aggregation Database (gnomAD). Different variants affecting the same splice acceptor site, c.458-1G>T, c.458-2A>C, c.458-2A>C, c.458-2A>T are also described to be disease-causing (ClinVar variation ID: 648638, 1347956, 2673583, 3230581). Loss of MSH6 function is a known mechanism of disease. Based on available evidence, this variant is classified as Likely Pathogenic.

Myriad Genetics, Inc.
Classification: Likely pathogenic for Lynch syndrome 5. Last evaluated: 2023-08-10. Review status: criteria provided, single submitter. Criteria: Myriad Autosomal Dominant, Autosomal Recessive and X-Linked Classification Criteria (2023). Collection method: clinical testing. Allele origin: unknown. Not counted in ClinVar's aggregate classification.
Comment: This variant is considered likely pathogenic. This variant occurs within a consensus splice junction and is predicted to result in abnormal mRNA splicing of either an out-of-frame exon or an in-frame exon necessary for protein stability and/or normal function.

Ambry Genetics
Classification: Pathogenic for Hereditary cancer-predisposing syndrome. Last evaluated: 2023-05-10. Review status: criteria provided, single submitter. Criteria: Ambry Variant Classification Scheme 2023. Collection method: clinical testing. Allele origin: germline. Not counted in ClinVar's aggregate classification.
Comment: The c.458-1G>A intronic pathogenic mutation results from a G to A substitution one nucleotide upstream from coding exon 3 of the MSH6 gene. This mutation has been confirmed in trans with a MSH6 pathogenic variant in an individual diagnosed with constitutional mismatch repair deficiency syndrome (Scott RH et al. Nat Clin Pract Oncol, 2007 Feb;4:130-4). This nucleotide position is highly conserved in available vertebrate species. In silico splice site analysis predicts that this alteration will weaken the native splice acceptor site. This variant is considered to be rare based on population cohorts in the Genome Aggregation Database (gnomAD). Alterations that disrupt the canonical splice site are expected to cause aberrant splicing, resulting in an abnormal protein or a transcript that is subject to nonsense-mediated mRNA decay. Based on the supporting evidence, this alteration is interpreted as a disease-causing mutation.

Literature cited by the submitters: PubMed 17259933 (cited by Color Diagnostics, LLC DBA Color Health and Ambry Genetics).